The following is an entry in ClinVar:

NM_001127222.2(CACNA1A):c.3750C>T (p.Leu1250=)

Gene: CACNA1A (calcium voltage-gated channel subunit alpha1 A; minus strand). Cytogenetic location: 19p13.13.
Variant type: single nucleotide variant.
Coding change: c.3750C>T on transcript NM_001127222.2 (MANE Select); coding-DNA position 3750, C replaced by T.
Protein change: p.Leu1250=; no amino-acid change (leucine 1250 retained).
Molecular consequence: synonymous variant.
Genome position (GRCh38, 1-based): chr19:13,283,339, G>A on the plus strand (C>T on the coding strand, the complement: CACNA1A is on the minus strand). VCF-style: chr19-13283339-G-A. GRCh37 (hg19) VCF-style: chr19-13394153-G-A.
Other names: c.3762C>T, p.Leu1254= (NM_000068.4, NM_023035.3); c.3753C>T, p.Leu1251= (NM_001127221.2, NM_001174080.2).
Identifiers: ClinVar variation 511030 (VCV000511030.4), dbSNP rs1238454656, ClinGen allele CA505660512.

ClinVar aggregate classification (germline): Likely benign. Review status: criteria provided, multiple submitters, no conflicts (2 of 4 stars). 2 submissions from 2 submitters: Likely benign (2). Last evaluated 2023-01-25.

Conditions:
Episodic ataxia type 2 (EA2). Also called: ATAXIA, EPISODIC, WITH NYSTAGMUS; ATAXIA, FAMILIAL PAROXYSMAL; CEREBELLAR ATAXIA, PAROXYSMAL, ACETAZOLAMIDE-RESPONSIVE; CEREBELLOPATHY, HEREDITARY PAROXYSMAL; EPISODIC ATAXIA, NYSTAGMUS-ASSOCIATED; ACETAZOLAMIDE-RESPONSIVE HEREDITARY PAROXYSMAL CEREBELLAR ATAXIA. Identifiers: Orphanet 97, MedGen C1720416, MONDO:0007163, OMIM 108500.
Developmental and epileptic encephalopathy, 42 (DEE42A). Also called: DEVELOPMENTAL AND EPILEPTIC ENCEPHALOPATHY 42A; EPILEPTIC ENCEPHALOPATHY, EARLY INFANTILE, 42A; Epileptic encephalopathy, early infantile, 42. Identifiers: MedGen C4310716, MONDO:0014917, OMIM 617106.

Allele frequency attached by ClinVar (database versions not stated): gnomAD exomes below 0.00001 and 0.00001.
gnomAD v4.1: 7 of 1,614,026 alleles (0.00043%); highest among the groups gnomAD compares: Admixed American, 0.0033%; no homozygotes.

Submissions (2):

Labcorp Genetics (formerly Invitae), Labcorp
Classification: Likely benign for Developmental and epileptic encephalopathy, 42; Episodic ataxia type 2. Last evaluated: 2023-01-25. Review status: criteria provided, single submitter. Criteria: Invitae Variant Classification Sherloc (09022015). Collection method: clinical testing. Allele origin: germline.

GeneDx
Classification: Likely benign. Last evaluated: 2017-08-16. Review status: criteria provided, single submitter. Criteria: GeneDx Variant Classification (06012015). Collection method: clinical testing. Allele origin: germline. Affected: yes.
Comment: This variant is considered likely benign or benign based on one or more of the following criteria: it is a conservative change, it occurs at a poorly conserved position in the protein, it is predicted to be benign by multiple in silico algorithms, and/or has population frequency not consistent with disease.